The following is an entry in ClinVar:

ClinVar aggregate classification (germline): Uncertain significance (1 of 4 stars; one submission).

gnomAD v4.1: 37 of 1,607,378 alleles (0.0023%); highest among the groups gnomAD compares: Non-Finnish European, 0.003%; no homozygotes.

Submission:

Women's Health and Genetics/Laboratory Corporation of America, LabCorp
Classification: Uncertain significance. Last evaluated: 2025-05-05. Review status: criteria provided, single submitter. Criteria: LabCorp Variant Classification Summary - May 2015. Collection method: clinical testing. Allele origin: germline.
Comment: Variant summary: AEBP1 c.1630C>T (p.Pro544Ser) results in a non-conservative amino acid change in the encoded protein sequence. Algorithms developed to predict the effect of missense changes on protein structure and function are either unavailable or do not agree on the potential impact of this missense change. Consensus agreement among computation tools predict no significant impact on normal splicing. However, these predictions have yet to be confirmed by functional studies. The variant allele was found at a frequency of 2e-05 in 245538 control chromosomes (gnomAD). The available data on variant occurrences in the general population are insufficient to allow any conclusion about variant significance. To our knowledge, no occurrence of c.1630C>T in individuals affected with Ehlers-Danlos syndrome, classic-like, 2 and no experimental evidence demonstrating its impact on protein function have been reported. No submitters have cited clinical-significance assessments for this variant to ClinVar. Based on the evidence outlined above, the variant was classified as uncertain significance.

NM_001129.5(AEBP1):c.1630C>T (p.Pro544Ser)

Gene: AEBP1 (AE binding protein 1; plus strand). Cytogenetic location: 7p13.
Variant type: single nucleotide variant.
Coding change: c.1630C>T on transcript NM_001129.5 (MANE Select); coding-DNA position 1630, C replaced by T.
Protein change: p.Pro544Ser; replaces proline 544 with serine.
Molecular consequence: missense variant.
Genome position (GRCh38, 1-based): chr7:44,111,057, C>T. VCF-style: chr7-44111057-C-T. GRCh37 (hg19) VCF-style: chr7-44150656-C-T.
Other names: short protein forms P544S.
Identifiers: ClinVar variation 3902533 (VCV003902533.1).